The following is an entry in ClinVar:

NM_004415.4(DSP):c.4761C>T (p.Asp1587=)

Gene: DSP (desmoplakin; plus strand). Cytogenetic location: 6p24.3.
Variant type: single nucleotide variant.
Coding change: c.4761C>T on transcript NM_004415.4 (MANE Select); coding-DNA position 4761, C replaced by T.
Protein change: p.Asp1587=; no amino-acid change (aspartic acid 1587 retained).
Molecular consequence: synonymous variant. On other transcripts: intron variant (2).
Genome position (GRCh38, 1-based): chr6:7,580,951, C>T. VCF-style: chr6-7580951-C-T. GRCh37 (hg19) VCF-style: chr6-7581184-C-T.
Other names: c.4050+711C>T (NM_001319034.2); c.3582+1179C>T (NM_001008844.3).
Identifiers: ClinVar variation 1172106 (VCV001172106.3), dbSNP rs2113694837, ClinGen allele CA448714725.

ClinVar aggregate classification (germline): Likely benign. Review status: criteria provided, multiple submitters, no conflicts (2 of 4 stars). 2 submissions from 2 submitters: Likely benign (2). Last evaluated 2023-11-20.

Conditions:
Cardiomyopathy (CMYO). Also called: Cardiomyopathies. Identifiers: Orphanet 167848, MedGen C0878544, MONDO:0004994, HP:0001638. Inheritance: Various modes of inheritance.
Arrhythmogenic cardiomyopathy with wooly hair and keratoderma. Also called: Dilated cardiomyopathy with woolly hair and keratoderma; PALMOPLANTAR KERATODERMA WITH LEFT VENTRICULAR CARDIOMYOPATHY AND WOOLLY HAIR; Carvajal syndrome; Arrhythmogenic cardiomyopathy with woolly hair and keratoderma. Identifiers: Orphanet 65282, MedGen C1854063, MONDO:0011581, OMIM 605676.

Submissions (2):

All of Us Research Program, National Institutes of Health
Classification: Likely benign for Arrhythmogenic cardiomyopathy with wooly hair and keratoderma. Last evaluated: 2023-11-20. Review status: criteria provided, single submitter. Criteria: ACMG Guidelines, 2015. Collection method: clinical testing. Allele origin: germline. Inheritance: Autosomal dominant inheritance. Observed: 1 variant allele, 1 heterozygote.
Comment: This study involves interpretation of variants in research participants for the purpose of population health screening. Participant phenotype was not available at the time of variant classification. Additional details can be found in publication PMID: 35346344, PMCID: PMC8962531

Color Diagnostics, LLC DBA Color Health
Classification: Likely benign for Cardiomyopathy. Last evaluated: 2020-11-02. Review status: criteria provided, single submitter. Criteria: ACMG Guidelines, 2015. Collection method: clinical testing. Allele origin: germline.